The following is an entry in ClinVar:

NM_001281740.3(FHOD3):c.4519G>A (p.Ala1507Thr)

Gene: FHOD3 (formin homology 2 domain containing 3; plus strand). Cytogenetic location: 18q12.2.
Variant type: single nucleotide variant.
Coding change: c.4519G>A on transcript NM_001281740.3 (MANE Select); coding-DNA position 4519, G replaced by A.
Protein change: p.Ala1507Thr; replaces alanine 1507 with threonine.
Molecular consequence: missense variant.
Genome position (GRCh38, 1-based): chr18:36,760,677, G>A. VCF-style: chr18-36760677-G-A. GRCh37 (hg19) VCF-style: chr18-34340640-G-A.
Other names: c.4519G>A (NM_001281740.2); c.3919G>A, p.Ala1307Thr (NM_001281739.3); c.3970G>A, p.Ala1324Thr (NM_025135.5); short protein forms A1307T, A1324T, A1507T.
Identifiers: ClinVar variation 3895359 (VCV003895359.2), dbSNP rs574765321.

ClinVar aggregate classification (germline): Likely benign. Review status: criteria provided, multiple submitters, no conflicts (2 of 4 stars). 2 submissions from 2 submitters: Likely benign (2). Last evaluated 2026-08-28.

Conditions:
FHOD3-related disorder. Also called: FHOD3-related condition.

gnomAD v4.1: 142 of 1,613,328 alleles (0.0088%); highest among the groups gnomAD compares: East Asian, 0.28%; 1 homozygote.

Submissions (2):

PreventionGenetics, part of Exact Sciences
Classification: Likely benign for FHOD3-related condition. Last evaluated: 2026-08-28. Review status: criteria provided, single submitter. Criteria: ACMG Guidelines, 2015. Collection method: clinical testing. Allele origin: germline.
Comment: This variant is classified as likely benign based on ACMG/AMP sequence variant interpretation guidelines (Richards et al. 2015 PMID: 25741868, with internal and published modifications).

Molecular Diagnostic Laboratory for Inherited Cardiovascular Disease, Montreal Heart Institute
Classification: Likely benign. Last evaluated: 2025-04-09. Review status: criteria provided, single submitter. Criteria: ACMG Guidelines, 2015. Collection method: clinical testing. Allele origin: germline. Affected: no.
Comment: BS1